The following is an entry in ClinVar:

ClinVar aggregate classification (germline): Uncertain significance (1 of 4 stars; one submission).

Submission:

Labcorp Genetics (formerly Invitae), Labcorp
Classification: Uncertain significance. Last evaluated: 2025-09-06. Review status: criteria provided, single submitter. Criteria: Invitae Variant Classification Sherloc (09022015). Collection method: clinical testing. Allele origin: germline.
Comment: This sequence change replaces lysine, which is basic and polar, with arginine, which is basic and polar, at codon 431 of the MARK2 protein (p.Lys431Arg). This variant is not present in population databases (gnomAD no frequency). This variant has not been reported in the literature in individuals affected with MARK2-related conditions. An algorithm developed to predict the effect of missense changes on protein structure and function (PolyPhen-2) suggests that this variant is likely to be tolerated. In summary, the available evidence is currently insufficient to determine the role of this variant in disease. Therefore, it has been classified as a Variant of Uncertain Significance.

NM_001039469.3(MARK2):c.1394A>G (p.Lys465Arg)

Gene: MARK2 (microtubule affinity regulating kinase 2; plus strand). Cytogenetic location: 11q13.1.
Variant type: single nucleotide variant.
Coding change: c.1394A>G on transcript NM_001039469.3 (MANE Select); coding-DNA position 1394, A replaced by G.
Protein change: p.Lys465Arg; replaces lysine 465 with arginine.
Molecular consequence: missense variant.
Genome position (GRCh38, 1-based): chr11:63,902,760, A>G. VCF-style: chr11-63902760-A-G. GRCh37 (hg19) VCF-style: chr11-63670232-A-G.
Other names: c.1394A>G, p.Lys465Arg (NM_001163296.2); c.1391A>G, p.Lys464Arg (NM_001163297.2, NM_004954.5); c.1292A>G, p.Lys431Arg (NM_017490.4); short protein forms K431R, K464R, K465R.
Identifiers: ClinVar variation 4726734 (VCV004726734.1).
Genomic context (GRCh38, chr11:63,902,760, plus strand): 5'-GGAAAGCCAGCAGCACAGCCAAGGTGCCTGCCAGCCCCCTGCCCGGTCTGGAGAGGAAGA[A>G]GACCACCCCAACCCCCTCCACGGTGAGCCGCACCCCCCGCTCTCTCCTTCCTTCCTGCGG-3'
Protein context (NP_001034558.2, residues 455-475): ASPLPGLERK[Lys465Arg]TTPTPSTNSV